The following is an entry in ClinVar:

ClinVar aggregate classification (germline): Conflicting classifications of pathogenicity. Review status: criteria provided, conflicting classifications (1 of 4 stars). 3 submissions from 3 submitters: Uncertain significance (1); Likely benign (2). Last evaluated 2025-12-24.

Allele frequency attached by ClinVar (database versions not stated): ExAC 0.00001; gnomAD 0.00002 and 0.00003; gnomAD exomes 0.00004 and 0.00009; TOPMed 0.00004.
gnomAD v4.1: 128 of 1,614,006 alleles (0.0079%); highest among the groups gnomAD compares: Middle Eastern, 0.016%; no homozygotes.

Submissions (3):

Labcorp Genetics (formerly Invitae), Labcorp
Classification: Uncertain significance. Last evaluated: 2025-12-24. Review status: criteria provided, single submitter. Criteria: Invitae Variant Classification Sherloc (09022015). Collection method: clinical testing. Allele origin: germline.
Comment: This sequence change replaces arginine, which is basic and polar, with glutamine, which is neutral and polar, at codon 1950 of the ARID1A protein (p.Arg1950Gln). This variant is present in population databases (rs759215669, gnomAD 0.006%). This variant has not been reported in the literature in individuals affected with ARID1A-related conditions. ClinVar contains an entry for this variant (Variation ID: 599459). Invitae Evidence Modeling of protein sequence and biophysical properties (such as structural, functional, and spatial information, amino acid conservation, physicochemical variation, residue mobility, and thermodynamic stability) indicates that this missense variant is not expected to disrupt ARID1A protein function with a negative predictive value of 80%. In summary, the available evidence is currently insufficient to determine the role of this variant in disease. Therefore, it has been classified as a Variant of Uncertain Significance.

CeGaT Center for Human Genetics Tuebingen
Classification: Likely benign. Last evaluated: 2025-03-01. Review status: criteria provided, single submitter. Criteria: CeGaT Center For Human Genetics Tuebingen Variant Classification Criteria Version 2. Collection method: clinical testing. Allele origin: germline. Affected: yes. Observed: 1 variant allele.
Comment: ARID1A: BP4

Institute for Genomic Medicine (IGM) Clinical Laboratory, Nationwide Children's Hospital
Classification: Likely benign. Last evaluated: 2017-10-27. Review status: criteria provided, single submitter. Criteria: ACMG Guidelines, 2015. Collection method: clinical testing. Allele origin: germline.
Comment: BS1, BP5; This alteration has an allele frequency that is greater than expected for the associated disease, and was found in a case with an alternate molecular basis for disease.

NM_006015.6(ARID1A):c.5849G>A (p.Arg1950Gln)

Gene: ARID1A (AT-rich interaction domain 1A; plus strand). Cytogenetic location: 1p36.11.
Variant type: single nucleotide variant.
Coding change: c.5849G>A on transcript NM_006015.6 (MANE Select); coding-DNA position 5849, G replaced by A.
Protein change: p.Arg1950Gln; replaces arginine 1950 with glutamine.
Molecular consequence: missense variant.
Genome position (GRCh38, 1-based): chr1:26,779,747, G>A. VCF-style: chr1-26779747-G-A. GRCh37 (hg19) VCF-style: chr1-27106238-G-A.
Other names: c.5849G>A (LRG_875t1); c.5198G>A, p.Arg1733Gln (NM_139135.4); short protein forms R1950Q, R1733Q.
Identifiers: ClinVar variation 599459 (VCV000599459.16), dbSNP rs759215669, ClinGen allele CA707768.